The following is an entry in ClinVar:

NM_000540.3(RYR1):c.10622C>T (p.Ala3541Val)

Gene: RYR1 (ryanodine receptor 1; plus strand). Cytogenetic location: 19q13.2.
Variant type: single nucleotide variant.
Coding change: c.10622C>T on transcript NM_000540.3 (MANE Select); coding-DNA position 10622, C replaced by T.
Protein change: p.Ala3541Val; replaces alanine 3541 with valine.
Molecular consequence: missense variant.
Genome position (GRCh38, 1-based): chr19:38,525,498, C>T. VCF-style: chr19-38525498-C-T. GRCh37 (hg19) VCF-style: chr19-39016138-C-T.
Other names: c.10607C>T, p.Ala3536Val (NM_001042723.2); short protein forms A3536V, A3541V.
Identifiers: ClinVar variation 2729555 (VCV002729555.4), dbSNP rs751242873, ClinGen allele CA054157.

ClinVar aggregate classification (germline): Uncertain significance. Review status: criteria provided, multiple submitters, no conflicts (2 of 4 stars). 2 submissions from 2 submitters: Uncertain significance (2). Last evaluated 2025-10-20.

Conditions:
RYR1-related disorder. Also called: RYR1-related disorders; RYR1-related condition. Identifiers: MedGen CN239331.
Malignant hyperthermia, susceptibility to, 1 (MHS1). Also called: Anesthesia related hyperthermia; Malignant hyperpyrexia; Fulminating hyperpyrexia; Pharmacogenic myopathy; RYR1-Related Malignant Hyperthermia Susceptibility; Malignant hyperthermia suceptibility 1. Identifiers: Orphanet 423, MedGen C2930980, MONDO:0007783, OMIM 145600.

Allele frequency attached by ClinVar (database versions not stated): TOPMed below 0.00001; gnomAD 0.00001.
gnomAD v4.1: 5 of 1,613,742 alleles (0.00031%); highest among the groups gnomAD compares: Non-Finnish European, 0.00042%; no homozygotes.

Submissions (2):

Color Diagnostics, LLC DBA Color Health
Classification: Uncertain significance for Malignant hyperthermia, susceptibility to, 1. Last evaluated: 2025-10-20. Review status: criteria provided, single submitter. Criteria: ACMG Guidelines, 2015. Collection method: clinical testing. Allele origin: germline.
Comment: This missense variant replaces alanine with valine at codon 3541 of the RYR1 protein. Computational prediction suggests that this variant may not impact protein structure and function. To our knowledge, functional studies have not been reported for this variant. This variant has not been reported in individuals affected with RYR1-related disorders in the literature. This variant has been identified in 5/1613742 chromosomes in the general population by the Genome Aggregation Database (gnomAD). The available evidence is insufficient to determine the role of this variant in disease conclusively. Therefore, this variant is classified as a Variant of Uncertain Significance.

Labcorp Genetics (formerly Invitae), Labcorp
Classification: Uncertain significance for RYR1-related disorder. Last evaluated: 2023-07-18. Review status: criteria provided, single submitter. Criteria: Invitae Variant Classification Sherloc (09022015). Collection method: clinical testing. Allele origin: germline.
Comment: In summary, the available evidence is currently insufficient to determine the role of this variant in disease. Therefore, it has been classified as a Variant of Uncertain Significance. Advanced modeling of protein sequence and biophysical properties (such as structural, functional, and spatial information, amino acid conservation, physicochemical variation, residue mobility, and thermodynamic stability) has been performed at Invitae for this missense variant, however the output from this modeling did not meet the statistical confidence thresholds required to predict the impact of this variant on RYR1 protein function. This variant has not been reported in the literature in individuals affected with RYR1-related conditions. This variant is not present in population databases (gnomAD no frequency). This sequence change replaces alanine, which is neutral and non-polar, with valine, which is neutral and non-polar, at codon 3541 of the RYR1 protein (p.Ala3541Val).